The following is an entry in ClinVar:

ClinVar aggregate classification (germline): Uncertain significance (1 of 4 stars; one submission).

Submission:

Labcorp Genetics (formerly Invitae), Labcorp
Classification: Uncertain significance. Last evaluated: 2025-06-27. Review status: criteria provided, single submitter. Criteria: Invitae Variant Classification Sherloc (09022015). Collection method: clinical testing. Allele origin: germline.
Comment: This sequence change replaces threonine, which is neutral and polar, with alanine, which is neutral and non-polar, at codon 1925 of the MYH3 protein (p.Thr1925Ala). This variant is not present in population databases (gnomAD no frequency). This variant has not been reported in the literature in individuals affected with MYH3-related conditions. Invitae Evidence Modeling of protein sequence and biophysical properties (such as structural, functional, and spatial information, amino acid conservation, physicochemical variation, residue mobility, and thermodynamic stability) indicates that this missense variant is not expected to disrupt MYH3 protein function with a negative predictive value of 95%. In summary, the available evidence is currently insufficient to determine the role of this variant in disease. Therefore, it has been classified as a Variant of Uncertain Significance.

NM_002470.4(MYH3):c.5773A>G (p.Thr1925Ala)

Gene: MYH3 (myosin heavy chain 3; minus strand). Cytogenetic location: 17p13.1.
Variant type: single nucleotide variant.
Coding change: c.5773A>G on transcript NM_002470.4 (MANE Select); coding-DNA position 5773, A replaced by G.
Protein change: p.Thr1925Ala; replaces threonine 1925 with alanine.
Molecular consequence: missense variant.
Genome position (GRCh38, 1-based): chr17:10,629,620, T>C on the plus strand (A>G on the coding strand, the complement: MYH3 is on the minus strand). VCF-style: chr17-10629620-T-C. GRCh37 (hg19) VCF-style: chr17-10532937-T-C.
Other names: short protein forms T1925A.
Identifiers: ClinVar variation 4779087 (VCV004779087.1).